The following is an entry in ClinVar:

ClinVar aggregate classification (germline): Uncertain significance. Review status: criteria provided, multiple submitters, no conflicts (2 of 4 stars). 3 submissions from 3 submitters: Uncertain significance (3). Last evaluated 2025-12-23.

Conditions:
Hereditary cancer-predisposing syndrome. Also called: Tumor predisposition; Hereditary Cancer Syndrome; Neoplastic Syndromes, Hereditary; Hereditary neoplastic syndrome. Identifiers: Orphanet 140162, MedGen C0027672, MeSH D009386, MONDO:0015356.
Prostate cancer, hereditary, 9 (HPC9). Identifiers: Orphanet 1331, MedGen C1970250, MONDO:0012597, OMIM 610997.

Allele frequency attached by ClinVar (database versions not stated): gnomAD exomes below 0.00001; TOPMed 0.00001.
gnomAD v4.1: 3 of 1,614,092 alleles (0.00019%); highest among the groups gnomAD compares: Non-Finnish European, 0.00017%; no homozygotes.

Submissions (3):

Labcorp Genetics (formerly Invitae), Labcorp
Classification: Uncertain significance. Last evaluated: 2025-12-23. Review status: criteria provided, single submitter. Criteria: Invitae Variant Classification Sherloc (09022015). Collection method: clinical testing. Allele origin: germline.
Comment: This sequence change replaces threonine, which is neutral and polar, with alanine, which is neutral and non-polar, at codon 283 of the HOXB13 protein (p.Thr283Ala). This variant is not present in population databases (gnomAD no frequency). This variant has not been reported in the literature in individuals affected with HOXB13-related conditions. ClinVar contains an entry for this variant (Variation ID: 822484). An algorithm developed to predict the effect of missense changes on protein structure and function (PolyPhen-2) suggests that this variant is likely to be tolerated. In summary, the available evidence is currently insufficient to determine the role of this variant in disease. Therefore, it has been classified as a Variant of Uncertain Significance.

Ambry Genetics
Classification: Uncertain significance for Hereditary cancer-predisposing syndrome. Last evaluated: 2024-09-26. Review status: criteria provided, single submitter. Criteria: Ambry Variant Classification Scheme 2023. Collection method: clinical testing. Allele origin: germline.
Comment: The p.T283A variant (also known as c.847A>G), located in coding exon 2 of the HOXB13 gene, results from an A to G substitution at nucleotide position 847. The threonine at codon 283 is replaced by alanine, an amino acid with similar properties. This amino acid position is well conserved in available vertebrate species. In addition, this alteration is predicted to be tolerated by in silico analysis. Since supporting evidence is limited at this time, the clinical significance of this alteration remains unclear.

Fulgent Genetics
Classification: Uncertain significance for Prostate cancer, hereditary, 9. Last evaluated: 2024-01-17. Review status: criteria provided, single submitter. Criteria: ACMG Guidelines, 2015. Collection method: clinical testing. Allele origin: germline.

NM_006361.6(HOXB13):c.847A>G (p.Thr283Ala)

Gene: HOXB13 (homeobox B13; minus strand). Cytogenetic location: 17q21.32.
Variant type: single nucleotide variant.
Coding change: c.847A>G on transcript NM_006361.6 (MANE Select); coding-DNA position 847, A replaced by G.
Protein change: p.Thr283Ala; replaces threonine 283 with alanine.
Molecular consequence: missense variant.
Genome position (GRCh38, 1-based): chr17:48,726,798, T>C on the plus strand (A>G on the coding strand, the complement: HOXB13 is on the minus strand). VCF-style: chr17-48726798-T-C. GRCh37 (hg19) VCF-style: chr17-46804160-T-C.
Other names: short protein forms T283A.
Identifiers: ClinVar variation 822484 (VCV000822484.13), dbSNP rs1295926376, ClinGen allele CA400105162.